The following is an entry in ClinVar:

NM_000138.5(FBN1):c.3265A>G (p.Thr1089Ala)

Gene: FBN1 (fibrillin 1; minus strand). Cytogenetic location: 15q21.1.
Variant type: single nucleotide variant.
Coding change: c.3265A>G on transcript NM_000138.5 (MANE Select); coding-DNA position 3265, A replaced by G.
Protein change: p.Thr1089Ala; replaces threonine 1089 with alanine.
Molecular consequence: missense variant.
Genome position (GRCh38, 1-based): chr15:48,488,185, T>C on the plus strand (A>G on the coding strand, the complement: FBN1 is on the minus strand). VCF-style: chr15-48488185-T-C. GRCh37 (hg19) VCF-style: chr15-48780382-T-C.
Other names: c.3265A>G, p.Thr1089Ala (NM_001406716.1); short protein forms T1089A.
Identifiers: ClinVar variation 2936846 (VCV002936846.5), dbSNP rs2505552643, ClinGen allele CA392327387.

ClinVar aggregate classification (germline): Uncertain significance. Review status: criteria provided, multiple submitters, no conflicts (2 of 4 stars). 3 submissions from 3 submitters: Uncertain significance (3). Last evaluated 2024-03-03.

Conditions:
Marfan syndrome (MFS). Also called: MARFAN SYNDROME, TYPE I; Marfan syndrome type 1; Marfan's syndrome; Marfan syndrome, classic; FBN1-Related Marfan Syndrome. Identifiers: Orphanet 284963, Orphanet 558, MedGen C0024796, MONDO:0007947, OMIM 154700.
Familial thoracic aortic aneurysm and aortic dissection (TAAD). Also called: Thoracic aortic aneurysms and dissections. Identifiers: Orphanet 91387, MedGen C4707243, MONDO:0019625.

Submissions (3):

GeneDx
Classification: Uncertain significance. Last evaluated: 2024-03-03. Review status: criteria provided, single submitter. Criteria: GeneDx Variant Classification Process June 2021. Collection method: clinical testing. Allele origin: germline. Affected: yes.
Comment: Not observed at significant frequency in large population cohorts (gnomAD); In silico analysis supports that this missense variant has a deleterious effect on protein structure/function; Does not affect a cysteine or calcium-binding residue within an EGF-like domain or a TGF-binding protein domain of the FBN1 gene; cysteine substitutions in the EGF-like domains represent the majority of pathogenic missense changes associated with FBN1-related disorders (PMID: 12938084); Has not been previously published as pathogenic or benign to our knowledge; This variant is associated with the following publications: (PMID: 12938084)

Labcorp Genetics (formerly Invitae), Labcorp
Classification: Uncertain significance for Marfan syndrome; Familial thoracic aortic aneurysm and aortic dissection. Last evaluated: 2024-01-08. Review status: criteria provided, single submitter. Criteria: Invitae Variant Classification Sherloc (09022015). Collection method: clinical testing. Allele origin: germline.
Comment: This sequence change replaces threonine, which is neutral and polar, with alanine, which is neutral and non-polar, at codon 1089 of the FBN1 protein (p.Thr1089Ala). This variant is not present in population databases (gnomAD no frequency). This variant has not been reported in the literature in individuals affected with FBN1-related conditions. Advanced modeling of protein sequence and biophysical properties (such as structural, functional, and spatial information, amino acid conservation, physicochemical variation, residue mobility, and thermodynamic stability) performed at Invitae indicates that this missense variant is expected to disrupt FBN1 protein function with a positive predictive value of 95%. In summary, the available evidence is currently insufficient to determine the role of this variant in disease. Therefore, it has been classified as a Variant of Uncertain Significance.

All of Us Research Program, National Institutes of Health
Classification: Uncertain significance for Marfan syndrome. Last evaluated: 2023-10-02. Review status: criteria provided, single submitter. Criteria: ACMG Guidelines, 2015. Collection method: clinical testing. Allele origin: germline. Inheritance: Autosomal dominant inheritance. Observed: 1 variant allele, 1 heterozygote.
Comment: This missense variant replaces threonine with alanine at codon 1089 of the FBN1 protein. Computational prediction suggests that this variant may have deleterious impact on protein structure and function (internally defined REVEL score threshold >= 0.7, PMID: 27666373). To our knowledge, functional studies have not been reported for this variant. This variant has not been reported in individuals affected with FBN1-related disorders in the literature. This variant has not been identified in the general population by the Genome Aggregation Database (gnomAD). The available evidence is insufficient to determine the role of this variant in disease conclusively. Therefore, this variant is classified as a Variant of Uncertain Significance.

This study involves interpretation of variants in research participants for the purpose of population health screening. Participant phenotype was not available at the time of variant classification. Additional details can be found in publication PMID: 35346344, PMCID: PMC8962531